The following is an entry in ClinVar:

ClinVar aggregate classification (germline): Uncertain significance. Review status: criteria provided, multiple submitters, no conflicts (2 of 4 stars). 3 submissions from 3 submitters: Uncertain significance (2). 1 of the submissions does not count toward it. Last evaluated 2026-01-19.

Conditions:
DNAH1-related disorder. Also called: DNAH1-related condition.
Spermatogenic failure 18. Identifiers: MedGen C4539783, MONDO:0054615, OMIM 617576.
Ciliary dyskinesia, primary, 37 (CILD37). Also called: CILIARY DYSKINESIA, PRIMARY, 37, WITH OR WITHOUT SITUS INVERSUS. Identifiers: MedGen C4539798, MONDO:0033204, OMIM 617577.

Allele frequency attached by ClinVar (database versions not stated): ESP Exome Variant Server 0.00008; gnomAD 0.00027 and 0.00023; 1000 Genomes Project 30x 0.00031; gnomAD exomes 0.00002 and 0.00008; ExAC 0.00009; TOPMed 0.00028; 1000 Genomes Project 0.00020.
gnomAD v4.1: 67 of 1,613,452 alleles (0.0042%); highest among the groups gnomAD compares: African/African-American, 0.069%; no homozygotes.

Submissions (3):

Labcorp Genetics (formerly Invitae), Labcorp
Classification: Uncertain significance for Ciliary dyskinesia, primary, 37; Spermatogenic failure 18. Last evaluated: 2026-01-19. Review status: criteria provided, single submitter. Criteria: Invitae Variant Classification Sherloc (09022015). Collection method: clinical testing. Allele origin: germline.
Comment: This sequence change replaces isoleucine, which is neutral and non-polar, with valine, which is neutral and non-polar, at codon 231 of the DNAH1 protein (p.Ile231Val). This variant is present in population databases (rs201173405, gnomAD 0.09%). This variant has not been reported in the literature in individuals affected with DNAH1-related conditions. ClinVar contains an entry for this variant (Variation ID: 652700). An algorithm developed to predict the effect of missense changes on protein structure and function (PolyPhen-2) suggests that this variant is likely to be tolerated. In summary, the available evidence is currently insufficient to determine the role of this variant in disease. Therefore, it has been classified as a Variant of Uncertain Significance.

Ambry Genetics
Classification: Uncertain significance. Last evaluated: 2023-10-24. Review status: criteria provided, single submitter. Criteria: Ambry Variant Classification Scheme 2023. Collection method: clinical testing. Allele origin: germline.

PreventionGenetics, part of Exact Sciences
Classification: Uncertain significance for DNAH1-related condition. Last evaluated: 2024-03-24. Review status: no assertion criteria provided. Collection method: clinical testing. Allele origin: germline. Not counted in ClinVar's aggregate classification.
Comment: The DNAH1 c.691A>G variant is predicted to result in the amino acid substitution p.Ile231Val. To our knowledge, this variant has not been reported in the literature. This variant is reported in 0.091% of alleles in individuals of African descent in gnomAD. At this time, the clinical significance of this variant is uncertain due to the absence of conclusive functional and genetic evidence.

NM_015512.5(DNAH1):c.691A>G (p.Ile231Val)

Gene: DNAH1 (dynein axonemal heavy chain 1; plus strand). Cytogenetic location: 3p21.1.
Variant type: single nucleotide variant.
Coding change: c.691A>G on transcript NM_015512.5 (MANE Select); coding-DNA position 691, A replaced by G.
Protein change: p.Ile231Val; replaces isoleucine 231 with valine.
Molecular consequence: missense variant.
Genome position (GRCh38, 1-based): chr3:52,326,844, A>G. VCF-style: chr3-52326844-A-G. GRCh37 (hg19) VCF-style: chr3-52360860-A-G.
Other names: short protein forms I231V.
Identifiers: ClinVar variation 652700 (VCV000652700.7), dbSNP rs201173405, ClinGen allele CA2432724.